The following is an entry in ClinVar:

NM_002184.4(IL6ST):c.1884A>C (p.Ala628=)

Gene: IL6ST (interleukin 6 cytokine family signal transducer; minus strand). Cytogenetic location: 5q11.2.
Variant type: single nucleotide variant.
Coding change: c.1884A>C on transcript NM_002184.4 (MANE Select); coding-DNA position 1884, A replaced by C.
Protein change: p.Ala628=; no amino-acid change (alanine 628 retained).
Molecular consequence: synonymous variant. On other transcripts: 3 prime UTR variant (1), non-coding transcript variant (2).
Genome position (GRCh38, 1-based): chr5:55,947,546, T>G on the plus strand (A>C on the coding strand, the complement: IL6ST is on the minus strand). VCF-style: chr5-55947546-T-G. GRCh37 (hg19) VCF-style: chr5-55243374-T-G.
Other names: c.1701A>C, p.Ala567= (NM_001190981.2); c.1782A>C, p.Ala594= (NM_001364275.2); c.1674A>C, p.Ala558= (NM_001364276.2); c.1017A>C, p.Ala339= (NM_001364277.2); c.981A>C, p.Ala327= (NM_001364278.2); c.888A>C, p.Ala296= (NM_001364279.2); c.*811A>C (NM_175767.3).
Identifiers: ClinVar variation 4822710 (VCV004822710.4).

ClinVar aggregate classification (germline): Likely benign (1 of 4 stars; one submission).

Submission:

CeGaT Center for Human Genetics Tuebingen
Classification: Likely benign. Last evaluated: 2026-01-01. Review status: criteria provided, single submitter. Criteria: CeGaT Center For Human Genetics Tuebingen Variant Classification Criteria Version 2. Collection method: clinical testing. Allele origin: germline. Affected: yes. Observed: 1 variant allele.
Comment: IL6ST: BP4, BP7